The following is an entry in ClinVar:

ClinVar aggregate classification (germline): Pathogenic. Review status: criteria provided, multiple submitters, no conflicts (2 of 4 stars). 2 submissions from 2 submitters: Pathogenic (2). Last evaluated 2024-08-16.

Conditions:
Hereditary breast ovarian cancer syndrome. Also called: Hereditary breast and ovarian cancer; Hereditary breast and ovarian cancer syndrome (HBOC); Breast and ovarian cancer; Hereditary breast and ovarian cancer syndrome; Hereditary breast and/or ovarian cancer syndrome; BRCA1- and BRCA2-Associated Hereditary Breast and Ovarian Cancer. Identifiers: Orphanet 145, MedGen C0677776, MeSH D061325, MONDO:0003582. Disease mechanism: loss of function.
Hereditary cancer-predisposing syndrome. Also called: Tumor predisposition; Neoplastic Syndromes, Hereditary; Hereditary Cancer Syndrome; Hereditary neoplastic syndrome. Identifiers: Orphanet 140162, MedGen C0027672, MeSH D009386, MONDO:0015356.

Submissions (2):

Ambry Genetics
Classification: Pathogenic for Hereditary cancer-predisposing syndrome. Last evaluated: 2024-08-16. Review status: criteria provided, single submitter. Criteria: Ambry Variant Classification Scheme 2023. Collection method: clinical testing. Allele origin: germline.
Comment: The c.2275delC pathogenic mutation, located in coding exon 10 of the BRCA2 gene, results from a deletion of one nucleotide at nucleotide position 2275, causing a translational frameshift with a predicted alternate stop codon (p.L759Ffs*13). This mutation has been reported in one Chinese family with male and female breast cancers (Wong ES et al. PLoS One, 2015 Jul;10:e0134408; Wong ESY et al. NPJ Genom Med, 2016 Jan;1:15003). This variant is considered to be rare based on population cohorts in the Genome Aggregation Database (gnomAD). In addition to the clinical data presented in the literature, this alteration is expected to result in loss of function by premature protein truncation or nonsense-mediated mRNA decay. As such, this alteration is interpreted as a disease-causing mutation.

Labcorp Genetics (formerly Invitae), Labcorp
Classification: Pathogenic for Hereditary breast ovarian cancer syndrome. Last evaluated: 2024-04-10. Review status: criteria provided, single submitter. Criteria: Invitae Variant Classification Sherloc (09022015). Collection method: clinical testing. Allele origin: germline.
Comment: This sequence change creates a premature translational stop signal (p.Leu759Phefs*13) in the BRCA2 gene. It is expected to result in an absent or disrupted protein product. Loss-of-function variants in BRCA2 are known to be pathogenic (PMID: 20104584). This variant is not present in population databases (gnomAD no frequency). This premature translational stop signal has been observed in individual(s) with breast cancer (PMID: 26221963). ClinVar contains an entry for this variant (Variation ID: 1453419). For these reasons, this variant has been classified as Pathogenic.

Literature cited by the submitters: PubMed 26221963 (cited by Ambry Genetics and Labcorp Genetics (formerly Invitae), Labcorp); PubMed 29263802 (cited by Ambry Genetics); PubMed 20104584 (cited by Labcorp Genetics (formerly Invitae), Labcorp).

NM_000059.4(BRCA2):c.2275del (p.Leu759fs)

Gene: BRCA2 (BRCA2 DNA repair associated; plus strand). Cytogenetic location: 13q13.1.
Variant type: Deletion.
Coding change: c.2275del on transcript NM_000059.4 (MANE Select); coding-DNA position 2275, one base deleted (C; older notation c.2275delC).
Protein change: p.Leu759fs; shifts the reading frame from leucine 759.
Molecular consequence: frameshift variant.
Genome position (GRCh38, 1-based): chr13:32,336,630, C deleted. VCF-style (leftmost placement, unchanged base first): chr13-32336629-TC-T. GRCh37 (hg19) VCF-style: chr13-32910766-TC-T.
Other names: short protein forms L759fs.
Identifiers: ClinVar variation 1453419 (VCV001453419.11), dbSNP rs2137484897, ClinGen allele CA658761160.